The following is an entry in ClinVar:

ClinVar aggregate classification (germline): Uncertain significance (1 of 4 stars; one submission).

Submission:

Labcorp Genetics (formerly Invitae), Labcorp
Classification: Uncertain significance. Last evaluated: 2023-02-05. Review status: criteria provided, single submitter. Criteria: Invitae Variant Classification Sherloc (09022015). Collection method: clinical testing. Allele origin: germline.
Comment: This sequence change replaces alanine, which is neutral and non-polar, with proline, which is neutral and non-polar, at codon 888 of the ALPK3 protein (p.Ala888Pro). This variant is not present in population databases (gnomAD no frequency). This variant has not been reported in the literature in individuals affected with ALPK3-related conditions. Algorithms developed to predict the effect of missense changes on protein structure and function (SIFT, PolyPhen-2, Align-GVGD) all suggest that this variant is likely to be tolerated. In summary, the available evidence is currently insufficient to determine the role of this variant in disease. Therefore, it has been classified as a Variant of Uncertain Significance.

NM_020778.5(ALPK3):c.2056G>C (p.Ala686Pro)

Gene: ALPK3 (alpha kinase 3; plus strand). Cytogenetic location: 15q25.3.
Variant type: single nucleotide variant.
Coding change: c.2056G>C on transcript NM_020778.5 (MANE Select); coding-DNA position 2056, G replaced by C.
Protein change: p.Ala686Pro; replaces alanine 686 with proline.
Molecular consequence: missense variant.
Genome position (GRCh38, 1-based): chr15:84,856,794, G>C. VCF-style: chr15-84856794-G-C. GRCh37 (hg19) VCF-style: chr15-85400025-G-C.
Other names: short protein forms A686P.
Identifiers: ClinVar variation 2834753 (VCV002834753.3), dbSNP rs1366851951, ClinGen allele CA393355760.